The following is an entry in ClinVar:

NM_000179.3(MSH6):c.4001+15A>G

Gene: MSH6 (mutS homolog 6; plus strand). Cytogenetic location: 2p16.3.
Variant type: single nucleotide variant.
Coding change: c.4001+15A>G on transcript NM_000179.3 (MANE Select); 15 bases into the intron after coding-DNA position 4001, A replaced by G.
Molecular consequence: intron variant.
Genome position (GRCh38, 1-based): chr2:47,806,666, A>G. VCF-style: chr2-47806666-A-G. GRCh37 (hg19) VCF-style: chr2-48033805-A-G.
Other names: c.3095+15A>G (NM_001281493.2, NM_001281494.2); c.3611+15A>G (NM_001281492.2).
Identifiers: ClinVar variation 491970 (VCV000491970.19), dbSNP rs202176821, ClinGen allele CA072477.

ClinVar aggregate classification (germline): Benign/Likely benign. Review status: criteria provided, multiple submitters, no conflicts (2 of 4 stars). 7 submissions from 7 submitters: Benign (1); Likely benign (4). 2 of the submissions do not count toward it. Last evaluated 2026-03-04.

Conditions:
MSH6-related disorder. Also called: MSH6-related condition; MSH6-Related disorders.
Hereditary nonpolyposis colorectal neoplasms. Identifiers: MedGen C0009405, MeSH D003123.
Hereditary cancer-predisposing syndrome. Also called: Neoplastic Syndromes, Hereditary; Hereditary Cancer Syndrome; Tumor predisposition; Hereditary neoplastic syndrome. Identifiers: Orphanet 140162, MedGen C0027672, MeSH D009386, MONDO:0015356.

Allele frequency attached by ClinVar (database versions not stated): gnomAD exomes 0.00003 and 0.00004; ExAC 0.00004; gnomAD 0.00004; TOPMed 0.00006.
gnomAD v4.1: 52 of 1,601,814 alleles (0.0032%); highest among the groups gnomAD compares: Non-Finnish European, 0.0041%; no homozygotes.

Submissions (7):

Ambry Genetics
Classification: Likely benign for Hereditary cancer-predisposing syndrome. Last evaluated: 2026-03-04. Review status: criteria provided, single submitter. Criteria: Ambry Variant Classification Scheme 2023. Collection method: clinical testing. Allele origin: germline.

Labcorp Genetics (formerly Invitae), Labcorp
Classification: Likely benign for Hereditary nonpolyposis colorectal neoplasms. Last evaluated: 2026-01-26. Review status: criteria provided, single submitter. Criteria: Invitae Variant Classification Sherloc (09022015). Collection method: clinical testing. Allele origin: germline.

PreventionGenetics, part of Exact Sciences
Classification: Likely benign for MSH6-related condition. Last evaluated: 2025-11-05. Review status: criteria provided, single submitter. Criteria: ACMG Guidelines, 2015. Collection method: clinical testing. Allele origin: germline.
Comment: This variant is classified as likely benign based on ACMG/AMP sequence variant interpretation guidelines (Richards et al. 2015 PMID: 25741868, with internal and published modifications).

Color Diagnostics, LLC DBA Color Health
Classification: Likely benign for Hereditary cancer-predisposing syndrome. Last evaluated: 2016-07-12. Review status: criteria provided, single submitter. Criteria: ACMG Guidelines, 2015. Collection method: clinical testing. Allele origin: germline.

GeneDx
Classification: Benign. Last evaluated: 2015-03-03. Review status: criteria provided, single submitter. Criteria: GeneDx Variant Classification Process June 2021. Collection method: clinical testing. Allele origin: germline. Affected: yes.

Clinical Genetics, Academic Medical Center
Classification: Likely benign. Review status: no assertion criteria provided. Collection method: clinical testing. Allele origin: germline. Affected: yes. Study: VKGL Data-share Consensus. Not counted in ClinVar's aggregate classification.

Laboratory of Diagnostic Genome Analysis, Leiden University Medical Center (LUMC)
Classification: Likely benign. Review status: no assertion criteria provided. Collection method: clinical testing. Allele origin: germline. Affected: yes. Study: VKGL Data-share Consensus. Not counted in ClinVar's aggregate classification.